The following is an entry in ClinVar:

NM_000136.3(FANCC):c.683dup (p.Leu228fs)

Genes: AOPEP (aminopeptidase O (putative); plus strand), FANCC (FA complementation group C; minus strand). Cytogenetic location: 9q22.32.
Variant type: Duplication.
Coding change: c.683dup on transcript NM_000136.3 (MANE Select); coding-DNA position 683, one base duplicated (T; older notation c.683dupT).
Protein change: p.Leu228fs; shifts the reading frame from leucine 228.
Molecular consequence: frameshift variant.
Genome position (GRCh38, 1-based): chr9:95,149,926, A duplicated on the plus strand (T on the coding strand, the reverse complement: FANCC is on the minus strand); the first of 4 consecutive A bases (chr9:95,149,926-95,149,929); duplicating any one gives the same sequence. VCF-style (leftmost placement, unchanged base first): chr9-95149925-C-CA. GRCh37 (hg19) VCF-style: chr9-97912207-C-CA.
Other names: c.683dup, p.Leu228fs (NM_001243743.2, NM_001243744.2); short protein forms L228fs.
Identifiers: ClinVar variation 1724967 (VCV001724967.2), dbSNP rs2541695491, ClinGen allele CA2580080683.

ClinVar aggregate classification (germline): Likely pathogenic (1 of 4 stars; one submission).

Conditions:
Fanconi anemia complementation group C (FANCC). Also called: FANCC-Related Fanconi Anemia; Fanconi anemia, group C; FANCONI PANCYTOPENIA, TYPE 3; FACC. Identifiers: Orphanet 84, MedGen C3468041, MONDO:0009213, OMIM 227645.

Submission:

Myriad Genetics, Inc.
Classification: Likely pathogenic for Fanconi anemia complementation group C. Last evaluated: 2022-03-03. Review status: criteria provided, single submitter. Criteria: Myriad Women's Health Autosomal Recessive and X-Linked Classification Criteria (2021). Collection method: clinical testing. Allele origin: unknown.
Comment: NM_000136.2(FANCC):c.683dupT(L228Ffs*24) is expected to be pathogenic in the context of Fanconi anemia, FANCC-related. This variant is predicted to lead to an abnormal or absent protein product due to the creation of a premature termination codon in FANCC, a gene where loss-of-function variants are known to be pathogenic. Please note: this variant was assessed in the context of healthy population screening.